The following is an entry in ClinVar:

ClinVar aggregate classification (germline): Uncertain significance (1 of 4 stars; one submission).

Conditions:
Nephronophthisis 14 (NPHP14). Identifiers: Orphanet 2318, MedGen C3539071, MONDO:0013916, OMIM 614844.

Allele frequency attached by ClinVar (database versions not stated): ExAC 0.00002; gnomAD exomes 0.00002.
gnomAD v4.1: 30 of 1,614,046 alleles (0.0019%); highest among the groups gnomAD compares: South Asian, 0.0044%; no homozygotes.

Submission:

Labcorp Genetics (formerly Invitae), Labcorp
Classification: Uncertain significance for Nephronophthisis 14. Last evaluated: 2022-07-17. Review status: criteria provided, single submitter. Criteria: Invitae Variant Classification Sherloc (09022015). Collection method: clinical testing. Allele origin: germline.
Comment: In summary, the available evidence is currently insufficient to determine the role of this variant in disease. Therefore, it has been classified as a Variant of Uncertain Significance. Algorithms developed to predict the effect of missense changes on protein structure and function (SIFT, PolyPhen-2, Align-GVGD) all suggest that this variant is likely to be tolerated. This variant has not been reported in the literature in individuals affected with ZNF423-related conditions. This variant is present in population databases (rs760436403, gnomAD 0.006%). This sequence change replaces glycine, which is neutral and non-polar, with serine, which is neutral and polar, at codon 1227 of the ZNF423 protein (p.Gly1227Ser).

NM_001379286.1(ZNF423):c.3703G>A (p.Gly1235Ser)

Gene: ZNF423 (zinc finger protein 423; minus strand). Cytogenetic location: 16q12.1.
Variant type: single nucleotide variant.
Coding change: c.3703G>A on transcript NM_001379286.1 (MANE Select); coding-DNA position 3703, G replaced by A.
Protein change: p.Gly1235Ser; replaces glycine 1235 with serine.
Molecular consequence: missense variant.
Genome position (GRCh38, 1-based): chr16:49,525,393, C>T on the plus strand (G>A on the coding strand, the complement: ZNF423 is on the minus strand). VCF-style: chr16-49525393-C-T. GRCh37 (hg19) VCF-style: chr16-49559304-C-T.
Other names: c.3499G>A, p.Gly1167Ser (NM_001271620.2); c.3328G>A, p.Gly1110Ser (NM_001330533.2); c.3679G>A, p.Gly1227Ser (NM_015069.5); short protein forms G1227S, G1235S, G1110S, G1167S.
Identifiers: ClinVar variation 2198991 (VCV002198991.2), dbSNP rs760436403, ClinGen allele CA8046224.